The following is an entry in ClinVar:

ClinVar aggregate classification (germline): Uncertain significance (1 of 4 stars; one submission).

Conditions:
Developmental and epileptic encephalopathy, 31A. Also called: Epileptic encephalopathy, early infantile, 31; Developmental and epileptic encephalopathy, 31. Identifiers: Orphanet 2382, MedGen C4225357, MONDO:0014598, OMIM 616346.

Submission:

Labcorp Genetics (formerly Invitae), Labcorp
Classification: Uncertain significance for Developmental and epileptic encephalopathy, 31A. Last evaluated: 2022-11-08. Review status: criteria provided, single submitter. Criteria: Invitae Variant Classification Sherloc (09022015). Collection method: clinical testing. Allele origin: germline.
Comment: Advanced modeling of protein sequence and biophysical properties (such as structural, functional, and spatial information, amino acid conservation, physicochemical variation, residue mobility, and thermodynamic stability) performed at Invitae indicates that this missense variant is not expected to disrupt DNM1 protein function. In summary, the available evidence is currently insufficient to determine the role of this variant in disease. Therefore, it has been classified as a Variant of Uncertain Significance. This variant has not been reported in the literature in individuals affected with DNM1-related conditions. This variant is not present in population databases (gnomAD no frequency). This sequence change replaces histidine, which is basic and polar, with arginine, which is basic and polar, at codon 733 of the DNM1 protein (p.His733Arg).

NM_004408.4(DNM1):c.2198A>G (p.His733Arg)

Gene: DNM1 (dynamin 1; plus strand). Cytogenetic location: 9q34.11.
Variant type: single nucleotide variant.
Coding change: c.2198A>G on transcript NM_004408.4 (MANE Select); coding-DNA position 2198, A replaced by G.
Protein change: p.His733Arg; replaces histidine 733 with arginine.
Molecular consequence: missense variant.
Genome position (GRCh38, 1-based): chr9:128,250,236, A>G. VCF-style: chr9-128250236-A-G. GRCh37 (hg19) VCF-style: chr9-131012515-A-G.
Other names: c.2198A>G, p.His733Arg (NM_001005336.3, NM_001288737.2, NM_001288738.2 and 2 more transcripts); short protein forms H733R.
Identifiers: ClinVar variation 2812925 (VCV002812925.3), dbSNP rs2539123037, ClinGen allele CA375000902.